The following is an entry in ClinVar:

NM_001165963.4(SCN1A):c.4188C>A (p.Cys1396Ter)

Genes: SCN1A (sodium voltage-gated channel alpha subunit 1; minus strand), LOC102724058 (uncharacterized LOC102724058; plus strand). Cytogenetic location: 2q24.3.
Variant type: single nucleotide variant.
Coding change: c.4188C>A on transcript NM_001165963.4 (MANE Select); coding-DNA position 4188, C replaced by A.
Protein change: p.Cys1396Ter; replaces cysteine 1396 with a stop codon.
Molecular consequence: nonsense. On other transcripts: non-coding transcript variant (1).
Genome position (GRCh38, 1-based): chr2:166,002,568, G>T on the plus strand (C>A on the coding strand, the complement: SCN1A is on the minus strand). VCF-style: chr2-166002568-G-T. GRCh37 (hg19) VCF-style: chr2-166859078-G-T.
Other names: c.4104C>A, p.Cys1368Ter (NM_001165964.3, NM_001353957.2, NM_001353958.2); c.4188C>A, p.Cys1396Ter (NM_001202435.3, NM_001353948.2); c.4155C>A, p.Cys1385Ter (NM_001353949.2, NM_001353950.2, NM_001353951.2 and 2 more transcripts); c.4152C>A, p.Cys1384Ter (NM_001353954.2, NM_001353955.2); c.4101C>A, p.Cys1367Ter (NM_001353960.2); c.1746C>A, p.Cys582Ter (NM_001353961.2); short protein forms C1385*, C1396*, C1384*, C1368*, C582*, C1367*.
Identifiers: ClinVar variation 189903 (VCV000189903.1), dbSNP rs794726745, ClinGen allele CA303259.

ClinVar aggregate classification (germline): Pathogenic (1 of 4 stars; one submission).

Conditions:
Severe myoclonic epilepsy in infancy (DRVT). Also called: Epileptic encephalopathy, early infantile, 6 (Dravet syndrome); SEVERE MYOCLONIC EPILEPSY OF INFANCY; DEVELOPMENTAL AND EPILEPTIC ENCEPHALOPATHY 6A; Severe Myoclonic Epilepsy in Infancy (SMEI); Dravet syndrome. Identifiers: Orphanet 33069, MedGen C0751122, MONDO:0100135, OMIM 607208.

Submission:

Center for Bioinformatics, Peking University
Classification: Pathogenic for Dravet syndrome. Last evaluated: 2014-12-20. Review status: criteria provided, single submitter. Criteria: Xu et al. (Hum Mutat. 2015). Collection method: research. Allele origin: de novo. Affected: yes. Observed: 1 variant allele. Study: University Clinical Cooperation “985 Project” PKU-2014-1-1.
Comment: Dravet syndrome (DS) probands were recruited from the outpatient and inpatient child neurology units of Peking University First Hospital from 2005 till present. The study was approved by the Ethics Committee of Peking University First Hospital and the Institutional Review Board at Peking University. Participants or their parents provided written informed consent before enrollment. We collected a total of 267 mutations from 255 families with probands diagnosed with DS in China. All probands fulfilled the clinical diagnostic criteria.